The following is an entry in ClinVar:

ClinVar aggregate classification (germline): Uncertain significance (1 of 4 stars; one submission).

Conditions:
RASopathy. Also called: Noonan spectrum disorder; rasopathies. Identifiers: Orphanet 536391, MedGen C5555857, MONDO:0021060.

Submission:

Labcorp Genetics (formerly Invitae), Labcorp
Classification: Uncertain significance for RASopathy. Last evaluated: 2024-03-16. Review status: criteria provided, single submitter. Criteria: Invitae Variant Classification Sherloc (09022015). Collection method: clinical testing. Allele origin: germline.
Comment: This sequence change replaces threonine, which is neutral and polar, with serine, which is neutral and polar, at codon 13 of the MAP2K2 protein (p.Thr13Ser). This variant is not present in population databases (gnomAD no frequency). This variant has not been reported in the literature in individuals affected with MAP2K2-related conditions. Advanced modeling of protein sequence and biophysical properties (such as structural, functional, and spatial information, amino acid conservation, physicochemical variation, residue mobility, and thermodynamic stability) has been performed at Invitae for this missense variant, however the output from this modeling did not meet the statistical confidence thresholds required to predict the impact of this variant on MAP2K2 protein function. In summary, the available evidence is currently insufficient to determine the role of this variant in disease. Therefore, it has been classified as a Variant of Uncertain Significance.

NM_030662.4(MAP2K2):c.37A>T (p.Thr13Ser)

Genes: MAP2K2 (mitogen-activated protein kinase kinase 2; minus strand), LOC130063193 (ATAC-STARR-seq lymphoblastoid silent region 9881; plus strand). Cytogenetic location: 19p13.3.
Variant type: single nucleotide variant.
Coding change: c.37A>T on transcript NM_030662.4 (MANE Select); coding-DNA position 37, A replaced by T.
Protein change: p.Thr13Ser; replaces threonine 13 with serine.
Molecular consequence: missense variant.
Genome position (GRCh38, 1-based): chr19:4,123,839, T>A on the plus strand (A>T on the coding strand, the complement: MAP2K2 is on the minus strand). VCF-style: chr19-4123839-T-A. GRCh37 (hg19) VCF-style: chr19-4123836-T-A.
Other names: short protein forms T13S.
Identifiers: ClinVar variation 3713824 (VCV003713824.2).